The following is an entry in ClinVar:

NM_004531.5(MOCS2):c.*1011G>A

Gene: MOCS2 (molybdenum cofactor synthesis 2; minus strand). Cytogenetic location: 5q11.2.
Variant type: single nucleotide variant.
Coding change: c.*1011G>A on transcript NM_004531.5 (MANE Select); 1011 bases downstream of the stop codon, G replaced by A.
Molecular consequence: 3 prime UTR variant.
Genome position (GRCh38, 1-based): chr5:53,097,591, C>T on the plus strand (G>A on the coding strand, the complement: MOCS2 is on the minus strand). VCF-style: chr5-53097591-C-T. GRCh37 (hg19) VCF-style: chr5-52393421-C-T.
Other names: c.*1498G>A (NM_176806.4).
Identifiers: ClinVar variation 907208 (VCV000907208.5), dbSNP rs1445940, ClinGen allele CA118883513.

ClinVar aggregate classification (germline): Benign. Review status: criteria provided, multiple submitters, no conflicts (2 of 4 stars). 2 submissions from 2 submitters: Benign (2). Last evaluated 2018-01-13.

Conditions:
Sulfite oxidase deficiency due to molybdenum cofactor deficiency type B1 (MOCODB1). Also called: Molybdenum cofactor deficiency B; Molybdenum cofactor deficiency, complementation group B; MOLYBDENUM COFACTOR DEFICIENCY, TYPE B1; Sulfite oxidase deficiency due to molybdenum cofactor deficiency type B. Identifiers: Orphanet 308393, Orphanet 833, MedGen C6065887, MONDO:0009644, OMIM 252160.

Allele frequency attached by ClinVar (database versions not stated): 1000 Genomes Project 30x 0.10462; 1000 Genomes Project 0.10483; gnomAD 0.11366 and 0.11615; TOPMed 0.11878.

Submissions (2):

Illumina Laboratory Services, Illumina
Classification: Benign for Sulfite oxidase deficiency due to molybdenum cofactor deficiency type B1. Last evaluated: 2018-01-13. Review status: criteria provided, single submitter. Criteria: ICSL Variant Classification Criteria 13 December 2019. Collection method: clinical testing. Allele origin: germline.
Comment: This variant was observed in the ICSL laboratory as part of a predisposition screen in an ostensibly healthy population. It had not been previously curated by ICSL or reported in the Human Gene Mutation Database (HGMD: prior to June 1st, 2018), and was therefore a candidate for classification through an automated scoring system. Utilizing variant allele frequency, disease prevalence and penetrance estimates, and inheritance mode, an automated score was calculated to assess if this variant is too frequent to cause the disease. Based on the score and internal cut-off values, a variant classified as benign is not then subjected to further curation. The score for this variant resulted in a classification of benign for this disease.

Breakthrough Genomics
Classification: Benign. Review status: criteria provided, single submitter. Criteria: ACMG Guidelines, 2015. Collection method: not provided. Allele origin: germline. Inheritance: Autosomal recessive inheritance. Affected: yes.